The following is an entry in ClinVar:

ClinVar aggregate classification (germline): Likely pathogenic (1 of 4 stars; one submission).

Conditions:
LAMA2-related muscular dystrophy (LAMA2-RD). Also called: Laminin alpha 2-related dystrophy. Identifiers: MedGen C5679788, MONDO:0100228.

Submission:

Myriad Genetics, Inc.
Classification: Likely pathogenic for LAMA2-related muscular dystrophy. Last evaluated: 2022-02-08. Review status: criteria provided, single submitter. Criteria: Myriad Autosomal Dominant, Autosomal Recessive and X-Linked Classification Criteria (2023). Collection method: clinical testing. Allele origin: unknown.
Comment: NM_000426.3(LAMA2):c.2395G>T(G799*) is expected to be pathogenic in the context of muscular dystrophy, LAMA2-related. This variant is predicted to lead to an abnormal or absent protein product due to the creation of a premature termination codon in LAMA2, a gene where loss-of-function variants are known to be pathogenic. Please note: this variant was assessed in the context of healthy population screening.

NM_000426.4(LAMA2):c.2395G>T (p.Gly799Ter)

Gene: LAMA2 (laminin subunit alpha 2; plus strand). Cytogenetic location: 6q22.33.
Variant type: single nucleotide variant.
Coding change: c.2395G>T on transcript NM_000426.4 (MANE Select); coding-DNA position 2395, G replaced by T.
Protein change: p.Gly799Ter; replaces glycine 799 with a stop codon.
Molecular consequence: nonsense.
Genome position (GRCh38, 1-based): chr6:129,270,696, G>T. VCF-style: chr6-129270696-G-T. GRCh37 (hg19) VCF-style: chr6-129591841-G-T.
Other names: c.2395G>T, p.Gly799Ter (NM_001079823.2); short protein forms G799*.
Identifiers: ClinVar variation 1724354 (VCV001724354.3), dbSNP rs781772588, ClinGen allele CA365609134.